The following is an entry in ClinVar:

NM_138704.4(NSMCE3):c.41_42delinsCC (p.Gln14Pro)

Genes: ENTREP2 (endosomal transmembrane epsin interactor 2; minus strand), NSMCE3 (NSE3 homolog, SMC5-SMC6 complex component; minus strand). Cytogenetic location: 15q13.1.
Variant type: Indel.
Coding change: c.41_42delinsCC on transcript NM_138704.4 (MANE Select); coding-DNA positions 41 to 42, AG replaced by CC.
Protein change: p.Gln14Pro; replaces glutamine 14 with proline.
Molecular consequence: missense variant. On other transcripts: intron variant (5).
Genome position (GRCh38, 1-based): chr15:29,269,664-29,269,665, CT replaced by GG on the plus strand (AG replaced by CC on the coding strand, the reverse complement: NSMCE3 is on the minus strand). VCF-style: chr15-29269664-CT-GG. GRCh37 (hg19) VCF-style: chr15-29561868-CT-GG.
Other names: c.-12-17187_-12-17186delinsCC (NM_001387217.1, NM_001387215.1, NM_001387216.1); c.277-17187_277-17186delinsCC (NM_001387214.1, NM_015307.2); short protein forms Q14P.
Identifiers: ClinVar variation 1043795 (VCV001043795.4), dbSNP rs2043569702, ClinGen allele CA2167011337.
Genomic context (GRCh38, chr15:29,269,664, plus strand): 5'-TTCCCCGGCCCGCGAAGCCCCGGGGTTTCCGCTATGGCTCCAGTCTCTGTCCCTCTCGGC[CT>GG]GGCCGCCAGAGCGGCCCCGGTTCCTCGGTTTTTGCAACATGTCTCCGGCGGCAGGTGCCG-3'
Protein context (NP_619649.1, residues 4-24): KPRNRGRSGG[Gln14Pro]AERDRDWSHS

ClinVar aggregate classification (germline): Uncertain significance. Review status: criteria provided, multiple submitters, no conflicts (2 of 4 stars). 2 submissions from 2 submitters: Uncertain significance (2). Last evaluated 2022-11-01.

Conditions:
Lung disease, immunodeficiency, and chromosome breakage syndrome;. Also called: Lung disease, immunodeficiency, and chromosome breakage syndrome. Identifiers: MedGen C4310653, MONDO:0014984, OMIM 617241.

Submissions (2):

Labcorp Genetics (formerly Invitae), Labcorp
Classification: Uncertain significance. Last evaluated: 2022-11-01. Review status: criteria provided, single submitter. Criteria: Invitae Variant Classification Sherloc (09022015). Collection method: clinical testing. Allele origin: germline.
Comment: This sequence change replaces glutamine, which is neutral and polar, with proline, which is neutral and non-polar, at codon 14 of the NSMCE3 protein (p.Gln14Pro). The frequency data for this variant in the population databases is considered unreliable, as metrics indicate poor data quality at this position in the gnomAD database. This variant has not been reported in the literature in individuals affected with NSMCE3-related conditions. ClinVar contains an entry for this variant (Variation ID: 1043795). Algorithms developed to predict the effect of missense changes on protein structure and function are either unavailable or do not agree on the potential impact of this missense change (SIFT: "Not Available"; PolyPhen-2: "Benign"; Align-GVGD: "Not Available"). In summary, the available evidence is currently insufficient to determine the role of this variant in disease. Therefore, it has been classified as a Variant of Uncertain Significance.

Fulgent Genetics
Classification: Uncertain significance for Lung disease, immunodeficiency, and chromosome breakage syndrome;. Last evaluated: 2022-04-13. Review status: criteria provided, single submitter. Criteria: ACMG Guidelines, 2015. Collection method: clinical testing. Allele origin: unknown.